The following is an entry in ClinVar:

NM_000287.4(PEX6):c.872_873del (p.Leu291fs)

Gene: PEX6 (peroxisomal biogenesis factor 6; minus strand). Cytogenetic location: 6p21.1.
Variant type: Deletion.
Coding change: c.872_873del on transcript NM_000287.4 (MANE Select); coding-DNA positions 872 to 873, 2 bases deleted (TC; older notation c.872_873delTC).
Protein change: p.Leu291fs; shifts the reading frame from leucine 291.
Molecular consequence: frameshift variant. On other transcripts: intron variant (1), non-coding transcript variant (1).
Genome position (GRCh38, 1-based): chr6:42,978,278-42,978,279, GA deleted on the plus strand (TC on the coding strand, the reverse complement: PEX6 is on the minus strand); deleting any 2 consecutive bases within chr6:42,978,278-42,978,280 gives the same sequence; the c. name uses the placement nearest the transcript's 3' end. VCF-style (leftmost placement, unchanged base first): chr6-42978277-TGA-T. GRCh37 (hg19) VCF-style: chr6-42946015-TGA-T.
Other names: c.618+254_618+255del (NM_001316313.2); short protein forms L291fs.
Identifiers: ClinVar variation 1726393 (VCV001726393.2), dbSNP rs2481274937, ClinGen allele CA2580074626.

ClinVar aggregate classification (germline): Likely pathogenic (1 of 4 stars; one submission).

Conditions:
Peroxisome biogenesis disorder 4A (Zellweger) (PBD4A). Also called: Zellweger syndrome spectrum (PEX6-related). Identifiers: Orphanet 912, MedGen C3553936, MONDO:0013930, OMIM 614862. Disease mechanism: loss of function.

Submission:

Myriad Genetics, Inc.
Classification: Likely pathogenic for Peroxisome biogenesis disorder 4A (Zellweger). Last evaluated: 2021-12-17. Review status: criteria provided, single submitter. Criteria: Myriad Women's Health Autosomal Recessive and X-Linked Classification Criteria (2021). Collection method: clinical testing. Allele origin: unknown.
Comment: NM_000287.3(PEX6):c.872_873delTC(L291Qfs*13) is expected to be pathogenic in the context of peroxisome biogenesis disorder type 4. This variant is predicted to lead to an abnormal or absent protein product due to the creation of a premature termination codon in PEX6, a gene where loss-of-function variants are known to be pathogenic. Please note: this variant was assessed in the context of healthy population screening.